The following is an entry in ClinVar:

NM_020975.6(RET):c.59_61dup (p.Pro20_Leu21insPro)

Gene: RET (ret proto-oncogene; plus strand). Cytogenetic location: 10q11.21.
Variant type: Duplication.
Coding change: c.59_61dup on transcript NM_020975.6 (MANE Select); coding-DNA positions 59 to 61, 3 bases duplicated (CGC; older notation c.59_61dupCGC).
Protein change: p.Pro20_Leu21insPro.
Molecular consequence: inframe insertion. On other transcripts: inframe indel (42).
Genome position (GRCh38, 1-based): chr10:43,077,317-43,077,319, CGC duplicated; duplicating any 3 consecutive bases within chr10:43,077,315-43,077,319 gives the same sequence; the c. name uses the placement nearest the transcript's 3' end. VCF-style (leftmost placement, unchanged base first): chr10-43077314-T-TGCC. GRCh37 (hg19) VCF-style: chr10-43572762-T-TGCC.
Other names: c.59_61dup, p.Pro20_Leu21insPro (NM_000323.2, NM_001406743.1, NM_001406744.1 and 38 more transcripts); c.59_61dupCGC (NM_020975.4).
Identifiers: ClinVar variation 423618 (VCV000423618.18), dbSNP rs1064796534, ClinGen allele CA16618957.

ClinVar aggregate classification (germline): Uncertain significance. Review status: criteria provided, multiple submitters, no conflicts (2 of 4 stars). 6 submissions from 6 submitters: Uncertain significance (6). Last evaluated 2026-01-11.

Conditions:
Hereditary cancer-predisposing syndrome. Also called: Tumor predisposition; Hereditary Cancer Syndrome; Hereditary neoplastic syndrome; Neoplastic Syndromes, Hereditary. Identifiers: Orphanet 140162, MedGen C0027672, MeSH D009386, MONDO:0015356.
Multiple endocrine neoplasia, type 2 (MEN2). Identifiers: Orphanet 653, MedGen C4048306, MONDO:0019003. Disease mechanism: gain of function.

Submissions (6):

Labcorp Genetics (formerly Invitae), Labcorp
Classification: Uncertain significance for Multiple endocrine neoplasia, type 2. Last evaluated: 2026-01-11. Review status: criteria provided, single submitter. Criteria: Invitae Variant Classification Sherloc (09022015). Collection method: clinical testing. Allele origin: germline.
Comment: This variant, c.59_61dup, results in the insertion of 1 amino acid(s) of the RET protein (p.Pro20dup), but otherwise preserves the integrity of the reading frame. This variant is present in population databases (no rsID available, gnomAD 0.06%). This variant has not been reported in the literature in individuals affected with RET-related conditions. ClinVar contains an entry for this variant (Variation ID: 423618). Experimental studies and prediction algorithms are not available or were not evaluated, and the functional significance of this variant is currently unknown. In summary, the available evidence is currently insufficient to determine the role of this variant in disease. Therefore, it has been classified as a Variant of Uncertain Significance.

Ambry Genetics
Classification: Uncertain significance for Hereditary cancer-predisposing syndrome. Last evaluated: 2024-08-22. Review status: criteria provided, single submitter. Criteria: Ambry Variant Classification Scheme 2023. Collection method: clinical testing. Allele origin: germline.
Comment: The c.59_61dupCGC variant (also known as p.P20dup), located in coding exon 1 of the RET gene, results from an in-frame duplication of CGC at nucleotide positions 59 to 61. This results in the duplication of an extra proline residue between codons 20 and 21. This amino acid position is well conserved in available vertebrate species. In addition, this alteration is predicted to be neutral by in silico analysis (Choi Y et al. PLoS ONE. 2012; 7(10):e46688). Based on the available evidence, the clinical significance of this variant remains unclear.

All of Us Research Program, National Institutes of Health
Classification: Uncertain significance for Multiple endocrine neoplasia, type 2. Last evaluated: 2024-03-05. Review status: criteria provided, single submitter. Criteria: ACMG Guidelines, 2015. Collection method: clinical testing. Allele origin: germline. Inheritance: Autosomal dominant inheritance. Observed: 2 variant alleles, 2 heterozygotes.
Comment: This variant causes an in-frame insertion of one amino acid in the RET protein. To our knowledge, functional studies have not been reported for this variant. This variant has been reported in an individual affected with breast cancer (PMID: 32091409). This variant has been identified in 6/142268 chromosomes in the general population by the Genome Aggregation Database (gnomAD). The available evidence is insufficient to determine the role of this variant in disease conclusively. Therefore, this variant is classified as a Variant of Uncertain Significance.

This study involves interpretation of variants in research participants for the purpose of population health screening. Participant phenotype was not available at the time of variant classification. Additional details can be found in publication PMID: 35346344, PMCID: PMC8962531

Color Diagnostics, LLC DBA Color Health
Classification: Uncertain significance for Multiple endocrine neoplasia, type 2. Last evaluated: 2023-11-28. Review status: criteria provided, single submitter. Criteria: ACMG Guidelines, 2015. Collection method: clinical testing. Allele origin: germline.
Comment: This variant causes an in-frame insertion of one amino acid in the RET protein. To our knowledge, functional studies have not been reported for this variant. This variant has been reported in an individual affected with breast cancer (PMID: 32091409). This variant has been identified in 6/142268 chromosomes in the general population by the Genome Aggregation Database (gnomAD). The available evidence is insufficient to determine the role of this variant in disease conclusively. Therefore, this variant is classified as a Variant of Uncertain Significance.

Blueprint Genetics
Classification: Uncertain significance. Last evaluated: 2019-10-24. Review status: criteria provided, single submitter. Criteria: ACMG Guidelines, 2015. Collection method: clinical testing. Allele origin: germline.

GeneDx
Classification: Uncertain significance. Last evaluated: 2017-02-14. Review status: criteria provided, single submitter. Criteria: GeneDx Variant Classification (06012015). Collection method: clinical testing. Allele origin: germline. Affected: yes.
Comment: The c.59_61dupCGC variant has not, to our knowledge, been published in the literature as pathogenic or benign. This in-frame duplication of three nucleotides in occurs in a region that is not conserved and is not located in a known functional domain. Since in-frame duplications may or may not inhibit proper protein functioning, the clinical significance of this finding remains unclear at this time and we consider c.59_61dupCGC to be a variant of uncertain significance.

Literature cited by the submitters: PubMed 32091409 (cited by All of Us Research Program, National Institutes of Health and Color Diagnostics, LLC DBA Color Health).